The following is an entry in ClinVar:

ClinVar aggregate classification (germline): Conflicting classifications of pathogenicity. Review status: criteria provided, conflicting classifications (1 of 4 stars). 3 submissions from 3 submitters: Pathogenic (2); Uncertain significance (1). Last evaluated 2025-09-21.

Conditions:
Familial hemiplegic migraine. Identifiers: MedGen C0338484, MONDO:0000700.
Migraine, familial hemiplegic, 2. Identifiers: Orphanet 569, MedGen C1865322, MONDO:0011232, OMIM 602481.

Allele frequency attached by ClinVar (database versions not stated): TOPMed below 0.00001.

Submissions (3):

Labcorp Genetics (formerly Invitae), Labcorp
Classification: Pathogenic for Familial hemiplegic migraine. Last evaluated: 2025-09-21. Review status: criteria provided, single submitter. Criteria: Invitae Variant Classification Sherloc (09022015). Collection method: clinical testing. Allele origin: germline.
Comment: This sequence change creates a premature translational stop signal (p.Arg834*) in the ATP1A2 gene. It is expected to result in an absent or disrupted protein product. Loss-of-function variants in ATP1A2 are known to be pathogenic (PMID: 30690204). This variant is present in population databases (no rsID available, gnomAD 0.0009%). This variant has not been observed in the literature in individuals with autosomal recessive ATP1A2-related conditions. This variant has been reported in individual(s) with autosomal dominant familial hemiplegic migraine (PMID: 18056581); however, the role of the variant in this condition is currently unclear. ClinVar contains an entry for this variant (Variation ID: 265408). For these reasons, this variant has been classified as Pathogenic.

GeneDx
Classification: Pathogenic. Last evaluated: 2024-11-18. Review status: criteria provided, single submitter. Criteria: GeneDx Variant Classification Process June 2021. Collection method: clinical testing. Allele origin: germline. Affected: yes.
Comment: Published functional studies demonstrate a damaging effect, as this variant showed extremely low ouabain binding and low ATPase activity in vitro (PMID: 24704353); Nonsense variant predicted to result in protein truncation or nonsense mediated decay in a gene for which loss-of-function is a known mechanism of disease; Not observed at significant frequency in large population cohorts (gnomAD); This variant is associated with the following publications: (PMID: 25525159, 20974584, 18056581, 27445835, 30690204, 24704353)

Institute of Human Genetics, University Hospital of Duesseldorf
Classification: Uncertain significance for Migraine, familial hemiplegic, 2. Review status: criteria provided, single submitter. Criteria: ACMG Guidelines, 2015. Collection method: not provided. Allele origin: germline. Inheritance: Autosomal dominant inheritance. Affected: yes.

Literature cited by the submitters: PubMed 30690204 (cited by Labcorp Genetics (formerly Invitae), Labcorp); PubMed 18056581 (cited by Labcorp Genetics (formerly Invitae), Labcorp).

NM_000702.4(ATP1A2):c.2500C>T (p.Arg834Ter)

Gene: ATP1A2 (ATPase Na+/K+ transporting subunit alpha 2; plus strand). Cytogenetic location: 1q23.2.
Variant type: single nucleotide variant.
Coding change: c.2500C>T on transcript NM_000702.4 (MANE Select); coding-DNA position 2500, C replaced by T.
Protein change: p.Arg834Ter; replaces arginine 834 with a stop codon.
Molecular consequence: nonsense.
Genome position (GRCh38, 1-based): chr1:160,136,307, C>T. VCF-style: chr1-160136307-C-T. GRCh37 (hg19) VCF-style: chr1-160106097-C-T.
Other names: short protein forms R834*.
Identifiers: ClinVar variation 265408 (VCV000265408.13), dbSNP rs755310507, ClinGen allele CA10588270.